The following is an entry in ClinVar:

NC_000007.13:g.(?_116165117)_(116199341_?)del

Gene: CAV1 (caveolin 1; plus strand). Cytogenetic location: 7q31.2.
Variant type: Deletion.
Identifiers: ClinVar variation 3245814 (VCV003245814.1).

ClinVar aggregate classification (germline): Uncertain significance (1 of 4 stars; one submission).

Conditions:
Pulmonary hypertension, primary, 3. Identifiers: Orphanet 422, MedGen C3809192, MONDO:0014135, OMIM 615343.

Submission:

Labcorp Genetics (formerly Invitae), Labcorp
Classification: Uncertain significance for Pulmonary hypertension, primary, 3. Last evaluated: 2023-07-16. Review status: criteria provided, single submitter. Criteria: Invitae Variant Classification Sherloc (09022015). Collection method: clinical testing. Allele origin: unknown.
Comment: A gross deletion of the genomic region encompassing the full coding sequence of the CAV1 gene has been identified. The current clinical and genetic evidence is not sufficient to establish whether loss-of-function variants in CAV1 cause disease. The boundaries of this event are unknown as they extend beyond the assayed region for this gene and therefore may encompass additional genes. This variant has not been reported in the literature in individuals affected with CAV1-related conditions. In summary, the available evidence is currently insufficient to determine the role of this variant in disease. Therefore, it has been classified as a Variant of Uncertain Significance.